The following is an entry in ClinVar:

NM_030777.4(SLC2A10):c.964C>T (p.Pro322Ser)

Gene: SLC2A10 (solute carrier family 2 member 10; plus strand). Cytogenetic location: 20q13.12.
Variant type: single nucleotide variant.
Coding change: c.964C>T on transcript NM_030777.4 (MANE Select); coding-DNA position 964, C replaced by T.
Protein change: p.Pro322Ser; replaces proline 322 with serine.
Molecular consequence: missense variant.
Genome position (GRCh38, 1-based): chr20:46,726,000, C>T. VCF-style: chr20-46726000-C-T. GRCh37 (hg19) VCF-style: chr20-45354639-C-T.
Other names: short protein forms P322S.
Identifiers: ClinVar variation 3797358 (VCV003797358.1).

ClinVar aggregate classification (germline): Uncertain significance (1 of 4 stars; one submission).

Conditions:
Familial thoracic aortic aneurysm and aortic dissection (TAAD). Also called: Thoracic aortic aneurysms and dissections. Identifiers: Orphanet 91387, MedGen C4707243, MONDO:0019625.

gnomAD v4.1: 2 of 1,613,814 alleles (0.00012%); highest among the groups gnomAD compares: Middle Eastern, 0.016%; no homozygotes.

Submission:

Ambry Genetics
Classification: Uncertain significance for Familial thoracic aortic aneurysm and aortic dissection. Last evaluated: 2025-01-19. Review status: criteria provided, single submitter. Criteria: Ambry Variant Classification Scheme 2023. Collection method: clinical testing. Allele origin: germline.
Comment: The p.P322S variant (also known as c.964C>T), located in coding exon 2 of the SLC2A10 gene, results from a C to T substitution at nucleotide position 964. The proline at codon 322 is replaced by serine, an amino acid with similar properties. This amino acid position is conserved. In addition, this alteration is predicted to be tolerated by in silico analysis. Based on the available evidence, the clinical significance of this variant remains unclear.